The following is an entry in ClinVar:

NM_005219.5(DIAPH1):c.715G>A (p.Glu239Lys)

Gene: DIAPH1 (diaphanous related formin 1; minus strand). Cytogenetic location: 5q31.3.
Variant type: single nucleotide variant.
Coding change: c.715G>A on transcript NM_005219.5 (MANE Select); coding-DNA position 715, G replaced by A.
Protein change: p.Glu239Lys; replaces glutamic acid 239 with lysine.
Molecular consequence: missense variant.
Genome position (GRCh38, 1-based): chr5:141,580,853, C>T on the plus strand (G>A on the coding strand, the complement: DIAPH1 is on the minus strand). VCF-style: chr5-141580853-C-T. GRCh37 (hg19) VCF-style: chr5-140960420-C-T.
Other names: c.688G>A, p.Glu230Lys (NM_001079812.3); c.715G>A, p.Glu239Lys (NM_001314007.2); c.715G>A (NM_005219.4); short protein forms E230K, E239K.
Identifiers: ClinVar variation 2928564 (VCV002928564.4), dbSNP rs2099896651, ClinGen allele CA361537272.

ClinVar aggregate classification (germline): Uncertain significance. Review status: criteria provided, multiple submitters, no conflicts (2 of 4 stars). 2 submissions from 2 submitters: Uncertain significance (2). Last evaluated 2024-10-01.

Conditions:
Autosomal dominant nonsyndromic hearing loss 1. Also called: KONIGSMARK SYNDROME; DEAFNESS, AUTOSOMAL DOMINANT 1, WITH OR WITHOUT THROMBOCYTOPENIA. Identifiers: Orphanet 90635, MedGen C1852282, MONDO:0007424, OMIM 124900.
Progressive microcephaly-seizures-cortical blindness-developmental delay syndrome. Also called: Seizures, cortical blindness, and microcephaly syndrome. Identifiers: Orphanet 477814, MedGen C5567650, MONDO:0014714, OMIM 616632.
Inborn genetic diseases. Identifiers: MedGen C0950123, MeSH D030342.

Allele frequency attached by ClinVar (database versions not stated): gnomAD exomes below 0.00001; TOPMed below 0.00001.
gnomAD v4.1: 3 of 1,614,194 alleles (0.00019%); highest among the groups gnomAD compares: Non-Finnish European, 0.00025%; no homozygotes.

Submissions (2):

Ambry Genetics
Classification: Uncertain significance for Inborn genetic diseases. Last evaluated: 2024-10-01. Review status: criteria provided, single submitter. Criteria: Ambry Variant Classification Scheme 2023. Collection method: clinical testing. Allele origin: germline.

Labcorp Genetics (formerly Invitae), Labcorp
Classification: Uncertain significance for Progressive microcephaly-seizures-cortical blindness-developmental delay syndrome; Autosomal dominant nonsyndromic hearing loss 1. Last evaluated: 2023-12-27. Review status: criteria provided, single submitter. Criteria: Invitae Variant Classification Sherloc (09022015). Collection method: clinical testing. Allele origin: germline.
Comment: This sequence change replaces glutamic acid, which is acidic and polar, with lysine, which is basic and polar, at codon 239 of the DIAPH1 protein (p.Glu239Lys). This variant is not present in population databases (gnomAD no frequency). This variant has not been reported in the literature in individuals affected with DIAPH1-related conditions. Experimental studies and prediction algorithms are not available or were not evaluated, and the functional significance of this variant is currently unknown. In summary, the available evidence is currently insufficient to determine the role of this variant in disease. Therefore, it has been classified as a Variant of Uncertain Significance.